The following is an entry in ClinVar:

NM_001267550.2(TTN):c.51063T>A (p.Asp17021Glu)

Genes: TTN (titin; minus strand), TTN-AS1 (TTN antisense RNA 1; plus strand). Cytogenetic location: 2q31.2.
Variant type: single nucleotide variant.
Coding change: c.51063T>A on transcript NM_001267550.2 (MANE Select); coding-DNA position 51063, T replaced by A.
Protein change: p.Asp17021Glu; replaces aspartic acid 17021 with glutamic acid.
Molecular consequence: missense variant.
Genome position (GRCh38, 1-based): chr2:178,611,066, A>T on the plus strand (T>A on the coding strand, the complement: TTN is on the minus strand). VCF-style: chr2-178611066-A-T. GRCh37 (hg19) VCF-style: chr2-179475793-A-T.
Other names: c.46140T>A, p.Asp15380Glu (NM_001256850.1); c.23868T>A, p.Asp7956Glu (NM_003319.4); c.43359T>A, p.Asp14453Glu (NM_133378.4); c.24243T>A, p.Asp8081Glu (NM_133432.3); c.24444T>A, p.Asp8148Glu (NM_133437.4); short protein forms D7956E, D8081E, D8148E, D17021E, D14453E, D15380E.
Identifiers: ClinVar variation 1790492 (VCV001790492.3), dbSNP rs760244297, ClinGen allele CA1994258.

ClinVar aggregate classification (germline): Uncertain significance. Review status: criteria provided, multiple submitters, no conflicts (2 of 4 stars). 3 submissions from 3 submitters: Uncertain significance (3). Last evaluated 2026-08-06.

Conditions:
Cardiovascular phenotype. Identifiers: MedGen CN230736.
Myopathy, myofibrillar, 9, with early respiratory failure (MFM9). Also called: Myopathy, distal, with early respiratory failure, autosomal dominant; Hereditary myopathy with early respiratory failure; EDSTROM MYOPATHY; MYOPATHY, PROXIMAL, WITH EARLY RESPIRATORY MUSCLE INVOLVEMENT. Identifiers: Orphanet 178464, Orphanet 34521, MedGen C1863599, MONDO:0011362, OMIM 603689.
TTN-related disorder. Also called: TTN-related condition; TTN-related disease; TTN-related disorders.

Allele frequency attached by ClinVar (database versions not stated): gnomAD 0.00003; TOPMed 0.00006; ExAC 0.00002.
gnomAD v4.1: 27 of 1,612,730 alleles (0.0017%); highest among the groups gnomAD compares: Admixed American, 0.013%; no homozygotes.

Submissions (3):

OLLIN Analises Genomicas, OLLIN
Classification: Uncertain significance for Myopathy, myofibrillar, 9, with early respiratory failure. Last evaluated: 2026-08-06. Review status: criteria provided, single submitter. Criteria: ACMG Guidelines 2015 PMID 25741868. Collection method: clinical testing. Allele origin: germline. Inheritance: Autosomal dominant inheritance.
Comment: This missense variant, located in exon 270 (of 363), has been reported in ClinVar (accession VCV001790492.2) and in gnomAD with an allele frequency of 0.0017%. However, to our knowledge, it has not been reported in the scientific literature. In silico analysis predicts that this variant has a deleterious effect. According to the currently available evidence, this variant has been classified as uncertain significance (PM2_P, PP3).

PreventionGenetics, part of Exact Sciences
Classification: Uncertain significance for TTN-related condition. Last evaluated: 2026-07-24. Review status: criteria provided, single submitter. Criteria: ACMG Guidelines, 2015. Collection method: clinical testing. Allele origin: germline.
Comment: The TTN c.51063T>A variant is predicted to result in the amino acid substitution p.Asp17021Glu. To our knowledge, this variant has not been reported in the literature. This variant is reported in 0.015% of alleles in individuals of Latino descent in gnomAD. At this time, the clinical significance of this variant is uncertain due to the absence of conclusive functional and genetic evidence.

Ambry Genetics
Classification: Uncertain significance for Cardiovascular phenotype. Last evaluated: 2020-07-08. Review status: criteria provided, single submitter. Criteria: Ambry Variant Classification Scheme 2023. Collection method: clinical testing. Allele origin: germline.
Comment: The p.D7956E variant (also known as c.23868T>A), located in coding exon 97 of the TTN gene, results from a T to A substitution at nucleotide position 23868. The aspartic acid at codon 7956 is replaced by glutamic acid, an amino acid with highly similar properties. This amino acid position is highly conserved in available vertebrate species. In addition, this alteration is predicted to be tolerated by in silico analysis. Since supporting evidence is limited at this time, the clinical significance of this alteration remains unclear.